The following is an entry in ClinVar:

ClinVar aggregate classification (germline): Likely benign (1 of 4 stars; one submission).

Submission:

GeneDx
Classification: Likely benign. Last evaluated: 2018-02-15. Review status: criteria provided, single submitter. Criteria: GeneDx Variant Classification (06012015). Collection method: clinical testing. Allele origin: germline. Affected: yes.
Comment: This variant is considered likely benign or benign based on one or more of the following criteria: it is a conservative change, it occurs at a poorly conserved position in the protein, it is predicted to be benign by multiple in silico algorithms, and/or has population frequency not consistent with disease.

NM_001128159.3(VPS53):c.2329-13C>T

Gene: VPS53 (VPS53 subunit of GARP complex; minus strand). Cytogenetic location: 17p13.3.
Variant type: single nucleotide variant.
Coding change: c.2329-13C>T on transcript NM_001128159.3 (MANE Select); 13 bases into the intron before coding-DNA position 2329, C replaced by T.
Molecular consequence: intron variant.
Genome position (GRCh38, 1-based): chr17:519,311, G>A on the plus strand (C>T on the coding strand, the complement: VPS53 is on the minus strand). VCF-style: chr17-519311-G-A. GRCh37 (hg19) VCF-style: chr17-422551-G-A.
Identifiers: ClinVar variation 515460 (VCV000515460.1), dbSNP rs1555546236, ClinGen allele CA497343106.